The following is an entry in ClinVar:

ClinVar aggregate classification (germline): Uncertain significance. Review status: criteria provided, multiple submitters, no conflicts (2 of 4 stars). 5 submissions from 5 submitters: Uncertain significance (5). Last evaluated 2025-05-19.

Conditions:
Hereditary breast ovarian cancer syndrome. Also called: Hereditary breast and ovarian cancer syndrome; BRCA1- and BRCA2-Associated Hereditary Breast and Ovarian Cancer; Breast and ovarian cancer; Hereditary breast and/or ovarian cancer syndrome; Hereditary breast and ovarian cancer; Hereditary breast and ovarian cancer syndrome (HBOC). Identifiers: Orphanet 145, MedGen C0677776, MeSH D061325, MONDO:0003582. Disease mechanism: loss of function.
Hereditary cancer-predisposing syndrome. Also called: Neoplastic Syndromes, Hereditary; Tumor predisposition; Hereditary Cancer Syndrome; Hereditary neoplastic syndrome. Identifiers: Orphanet 140162, MedGen C0027672, MeSH D009386, MONDO:0015356.
Nijmegen breakage syndrome-like disorder (NBSLD). Also called: MICROCEPHALY AND SPONTANEOUS CHROMOSOME INSTABILITY WITHOUT IMMUNODEFICIENCY; NBS-LIKE DISORDER; RAD50 DEFICIENCY. Identifiers: Orphanet 240760, MedGen C2751318, MONDO:0013118, OMIM 613078.

Allele frequency attached by ClinVar (database versions not stated): ExAC 0.00001; gnomAD 0.00001; gnomAD exomes 0.00002; TOPMed 0.00002; ESP Exome Variant Server 0.00008.
gnomAD v4.1: 35 of 1,613,654 alleles (0.0022%); highest among the groups gnomAD compares: African/African-American, 0.008%; no homozygotes.

Submissions (5):

Labcorp Genetics (formerly Invitae), Labcorp
Classification: Uncertain significance for Hereditary cancer-predisposing syndrome. Last evaluated: 2025-05-19. Review status: criteria provided, single submitter. Criteria: Invitae Variant Classification Sherloc (09022015). Collection method: clinical testing. Allele origin: germline.
Comment: This sequence change replaces asparagine, which is neutral and polar, with serine, which is neutral and polar, at codon 758 of the RAD50 protein (p.Asn758Ser). This variant is present in population databases (rs147568421, gnomAD 0.004%). This missense change has been observed in individual(s) with breast cancer (PMID: 35534704). ClinVar contains an entry for this variant (Variation ID: 232761). Invitae Evidence Modeling of protein sequence and biophysical properties (such as structural, functional, and spatial information, amino acid conservation, physicochemical variation, residue mobility, and thermodynamic stability) indicates that this missense variant is not expected to disrupt RAD50 protein function with a negative predictive value of 80%. In summary, the available evidence is currently insufficient to determine the role of this variant in disease. Therefore, it has been classified as a Variant of Uncertain Significance.

Quest Diagnostics Nichols Institute San Juan Capistrano
Classification: Uncertain significance. Last evaluated: 2025-01-19. Review status: criteria provided, single submitter. Criteria: Quest Diagnostics criteria. Collection method: clinical testing. Allele origin: unknown.
Comment: The RAD50 c.2273A>G (p.Asn758Ser) variant has been reported in the published literature in an individual affected with breast cancer (PMID: 35534704 (2022)). The frequency of this variant in the general population (Genome Aggregation Database) is uninformative in the assessment of its pathogenicity. Analysis of this variant using bioinformatics tools for the prediction of the effect of amino acid changes on protein structure and function yielded predictions that this variant is benign. Based on the available information, we are unable to determine the clinical significance of this variant.

Baylor Genetics
Classification: Uncertain significance for Nijmegen breakage syndrome-like disorder. Last evaluated: 2024-02-01. Review status: criteria provided, single submitter. Criteria: ACMG Guidelines, 2015. Collection method: clinical testing. Allele origin: unknown.

Ambry Genetics
Classification: Uncertain significance for Hereditary cancer-predisposing syndrome. Last evaluated: 2023-03-25. Review status: criteria provided, single submitter. Criteria: Ambry Variant Classification Scheme 2023. Collection method: clinical testing. Allele origin: germline.
Comment: The p.N758S variant (also known as c.2273A>G), located in coding exon 14 of the RAD50 gene, results from an A to G substitution at nucleotide position 2273. The asparagine at codon 758 is replaced by serine, an amino acid with highly similar properties. This amino acid position is highly conserved in available vertebrate species. In addition, this alteration is predicted to be tolerated by in silico analysis. Since supporting evidence is limited at this time, the clinical significance of this alteration remains unclear.

Cancer Genomics Group, Japanese Foundation For Cancer Research
Classification: Uncertain significance for Hereditary breast and ovarian cancer syndrome. Last evaluated: 2019-05-01. Review status: criteria provided, single submitter. Criteria: ACMG Guidelines, 2015. Collection method: research. Allele origin: germline. Affected: yes.

Literature cited by the submitters: PubMed 35534704 (cited by Labcorp Genetics (formerly Invitae), Labcorp and Quest Diagnostics Nichols Institute San Juan Capistrano).

NM_005732.4(RAD50):c.2273A>G (p.Asn758Ser)

Gene: RAD50 (RAD50 double strand break repair protein; plus strand). Cytogenetic location: 5q31.1.
Variant type: single nucleotide variant.
Coding change: c.2273A>G on transcript NM_005732.4 (MANE Select); coding-DNA position 2273, A replaced by G.
Protein change: p.Asn758Ser; replaces asparagine 758 with serine.
Molecular consequence: missense variant.
Genome position (GRCh38, 1-based): chr5:132,603,365, A>G. VCF-style: chr5-132603365-A-G. GRCh37 (hg19) VCF-style: chr5-131939057-A-G.
Other names: short protein forms N758S.
Identifiers: ClinVar variation 232761 (VCV000232761.19), dbSNP rs147568421, ClinGen allele CA3405362.